The following is an entry in ClinVar:

ClinVar aggregate classification (germline): Uncertain significance. Review status: criteria provided, multiple submitters, no conflicts (2 of 4 stars). 2 submissions from 2 submitters: Uncertain significance (2). Last evaluated 2021-08-24.

Conditions:
Cardiovascular phenotype. Identifiers: MedGen CN230736.
Dilated cardiomyopathy 1AA (CMD1AA). Also called: CARDIOMYOPATHY, DILATED, 1AA, WITH OR WITHOUT LEFT VENTRICULAR NONCOMPACTION; CARDIOMYOPATHY, FAMILIAL HYPERTROPHIC, 23, WITH OR WITHOUT LEFT VENTRICULAR NONCOMPACTION; Cardiomyopathy, dilated, 1AA, with or without LVNC. Identifiers: Orphanet 154, MedGen C2677338, MONDO:0012808, OMIM 612158.
Primary familial hypertrophic cardiomyopathy (HCM). Identifiers: Orphanet 99739, MedGen C0949658, MeSH D024741, MONDO:0024573. Inheritance: Various modes of inheritance.

Allele frequency attached by ClinVar (database versions not stated): gnomAD exomes below 0.00001 and 0.00001; ExAC 0.00001.
gnomAD v4.1: 4 of 1,614,046 alleles (0.00025%); highest among the groups gnomAD compares: Admixed American, 0.005%; no homozygotes.

Submissions (2):

Labcorp Genetics (formerly Invitae), Labcorp
Classification: Uncertain significance for Primary familial hypertrophic cardiomyopathy; Dilated cardiomyopathy 1AA. Last evaluated: 2021-08-24. Review status: criteria provided, single submitter. Criteria: Invitae Variant Classification Sherloc (09022015). Collection method: clinical testing. Allele origin: germline.
Comment: This sequence change replaces lysine with glutamic acid at codon 319 of the ACTN2 protein (p.Lys319Glu). The lysine residue is highly conserved and there is a small physicochemical difference between lysine and glutamic acid. This variant is present in population databases (rs754614411, ExAC 0.009%). This variant has not been reported in the literature in individuals affected with ACTN2-related conditions. Algorithms developed to predict the effect of missense changes on protein structure and function are either unavailable or do not agree on the potential impact of this missense change (SIFT: "Deleterious"; PolyPhen-2: "Benign"; Align-GVGD: "Class C55"). In summary, the available evidence is currently insufficient to determine the role of this variant in disease. Therefore, it has been classified as a Variant of Uncertain Significance.

Ambry Genetics
Classification: Uncertain significance for Cardiovascular phenotype. Last evaluated: 2019-05-02. Review status: criteria provided, single submitter. Criteria: Ambry Variant Classification Scheme 2023. Collection method: clinical testing. Allele origin: germline.
Comment: The p.K319E variant (also known as c.955A>G), located in coding exon 10 of the ACTN2 gene, results from an A to G substitution at nucleotide position 955. The lysine at codon 319 is replaced by glutamic acid, an amino acid with similar properties. This amino acid position is highly conserved in available vertebrate species. In addition, the in silico prediction for this alteration is inconclusive. Since supporting evidence is limited at this time, the clinical significance of this alteration remains unclear.

NM_001103.4(ACTN2):c.955A>G (p.Lys319Glu)

Gene: ACTN2 (actinin alpha 2; plus strand). Cytogenetic location: 1q43.
Variant type: single nucleotide variant.
Coding change: c.955A>G on transcript NM_001103.4 (MANE Select); coding-DNA position 955, A replaced by G.
Protein change: p.Lys319Glu; replaces lysine 319 with glutamic acid.
Molecular consequence: missense variant.
Genome position (GRCh38, 1-based): chr1:236,739,380, A>G. VCF-style: chr1-236739380-A-G. GRCh37 (hg19) VCF-style: chr1-236902680-A-G.
Other names: c.955A>G, p.Lys319Glu (NM_001278343.2); c.331A>G, p.Lys111Glu (NM_001278344.2); short protein forms K111E, K319E.
Identifiers: ClinVar variation 1021960 (VCV001021960.4), dbSNP rs754614411, ClinGen allele CA1473018.